The following is an entry in ClinVar:

ClinVar aggregate classification (germline): Uncertain significance (1 of 4 stars; one submission).

Allele frequency attached by ClinVar (database versions not stated): 1000 Genomes Project 0.00060; 1000 Genomes Project 30x 0.00062.
gnomAD v4.1: 19 of 1,613,904 alleles (0.0012%); highest among the groups gnomAD compares: East Asian, 0.04%; no homozygotes.

Submission:

Labcorp Genetics (formerly Invitae), Labcorp
Classification: Uncertain significance. Last evaluated: 2024-03-12. Review status: criteria provided, single submitter. Criteria: Invitae Variant Classification Sherloc (09022015). Collection method: clinical testing. Allele origin: germline.
Comment: This sequence change replaces proline, which is neutral and non-polar, with glutamine, which is neutral and polar, at codon 920 of the ITGAM protein (p.Pro920Gln). This variant is present in population databases (rs553266817, gnomAD 0.1%), and has an allele count higher than expected for a pathogenic variant. This variant has not been reported in the literature in individuals affected with ITGAM-related conditions. ClinVar contains an entry for this variant (Variation ID: 1499934). An algorithm developed to predict the effect of missense changes on protein structure and function (PolyPhen-2) suggests that this variant is likely to be disruptive. Algorithms developed to predict the effect of sequence changes on RNA splicing suggest that this variant may disrupt the consensus splice site. In summary, the available evidence is currently insufficient to determine the role of this variant in disease. Therefore, it has been classified as a Variant of Uncertain Significance.

NM_000632.4(ITGAM):c.2759C>A (p.Pro920Gln)

Gene: ITGAM (integrin subunit alpha M; plus strand). Cytogenetic location: 16p11.2.
Variant type: single nucleotide variant.
Coding change: c.2759C>A on transcript NM_000632.4 (MANE Select); coding-DNA position 2759, C replaced by A.
Protein change: p.Pro920Gln; replaces proline 920 with glutamine.
Molecular consequence: missense variant.
Genome position (GRCh38, 1-based): chr16:31,328,197, C>A. VCF-style: chr16-31328197-C-A. GRCh37 (hg19) VCF-style: chr16-31339518-C-A.
Other names: c.2762C>A, p.Pro921Gln (NM_001145808.2); short protein forms P920Q, P921Q.
Identifiers: ClinVar variation 1499934 (VCV001499934.6), dbSNP rs553266817, ClinGen allele CA8025963.